The following is an entry in ClinVar:

ClinVar aggregate classification (germline): Pathogenic, low penetrance (1 of 4 stars; one submission).

Conditions:
Atypical hemolytic-uremic syndrome. Identifiers: Orphanet 2134, MedGen C2931788, MONDO:0016244.

Submission:

Genomenon, Inc
Classification: Pathogenic, low penetrance for Atypical hemolytic-uremic syndrome. Last evaluated: 2025-09-26. Review status: criteria provided, single submitter. Criteria: Genomenon Sequence Variant Interpretation Standards - Updated. Collection method: curation. Allele origin: germline. Affected: yes.
Comment: CFI p.Gly158Arg (c.472G>A) is a missense variant that changes the amino acid at residue 158 from Glycine to Arginine. This variant has been observed in at least one proband affected with atypical hemolytic-uremic syndrome (PMID:35619721). At least one splicing study identified that this variant results in aberrant splicing (PMID:39238643). It is absent or not present at a significant frequency in gnomAD. In conclusion, we classify CFI p.Gly158Arg (c.472G>A) as a pathogenic, low penetrance variant.

Literature cited by the submitters: PubMed 35619721; 39238643.

NM_000204.5(CFI):c.472G>A (p.Gly158Arg)

Gene: CFI (complement factor I; minus strand). Cytogenetic location: 4q25.
Variant type: single nucleotide variant.
Coding change: c.472G>A on transcript NM_000204.5 (MANE Select); coding-DNA position 472, G replaced by A.
Protein change: p.Gly158Arg; replaces glycine 158 with arginine.
Molecular consequence: missense variant. On other transcripts: non-coding transcript variant (3), intron variant (1).
Genome position (GRCh38, 1-based): chr4:109,764,547, C>T on the plus strand (G>A on the coding strand, the complement: CFI is on the minus strand). VCF-style: chr4-109764547-C-T. GRCh37 (hg19) VCF-style: chr4-110685703-C-T.
Other names: c.472G>A, p.Gly158Arg (NM_001318057.2, NM_001331035.2, NM_001375278.1 and 10 more transcripts); c.-127-2855G>A (NM_001375284.1); short protein forms G158R.
Identifiers: ClinVar variation 4280474 (VCV004280474.1).